The following is an entry in ClinVar:

NM_002471.4(MYH6):c.4108G>C (p.Val1370Leu)

Gene: MYH6 (myosin heavy chain 6; minus strand). Cytogenetic location: 14q11.2.
Variant type: single nucleotide variant.
Coding change: c.4108G>C on transcript NM_002471.4 (MANE Select); coding-DNA position 4108, G replaced by C.
Protein change: p.Val1370Leu; replaces valine 1370 with leucine.
Molecular consequence: missense variant.
Genome position (GRCh38, 1-based): chr14:23,388,926, C>G on the plus strand (G>C on the coding strand, the complement: MYH6 is on the minus strand). VCF-style: chr14-23388926-C-G. GRCh37 (hg19) VCF-style: chr14-23858135-C-G.
Other names: short protein forms V1370L.
Identifiers: ClinVar variation 1306271 (VCV001306271.2), dbSNP rs2138590083, ClinGen allele CA389001809.

ClinVar aggregate classification (germline): Uncertain significance (1 of 4 stars; one submission).

Submission:

GeneDx
Classification: Uncertain significance. Last evaluated: 2019-06-03. Review status: criteria provided, single submitter. Criteria: GeneDx Variant Classification Process June 2021. Collection method: clinical testing. Allele origin: germline. Affected: yes.
Comment: Has not been previously published as pathogenic or benign to our knowledge; Not observed in large population cohorts (Lek et al., 2016); In silico analysis, which includes protein predictors and evolutionary conservation, supports that this variant does not alter protein structure/function